The following is an entry in ClinVar:

NM_000821.7(GGCX):c.1218C>T (p.Arg406=)

Gene: GGCX (gamma-glutamyl carboxylase; minus strand). Cytogenetic location: 2p11.2.
Variant type: single nucleotide variant.
Coding change: c.1218C>T on transcript NM_000821.7 (MANE Select); coding-DNA position 1218, C replaced by T.
Protein change: p.Arg406=; no amino-acid change (arginine 406 retained).
Molecular consequence: synonymous variant.
Genome position (GRCh38, 1-based): chr2:85,553,008, G>A on the plus strand (C>T on the coding strand, the complement: GGCX is on the minus strand). VCF-style: chr2-85553008-G-A. GRCh37 (hg19) VCF-style: chr2-85780131-G-A.
Other names: p.Arg406=; c.1047C>T, p.Arg349= (NM_001142269.4).
Identifiers: ClinVar variation 337266 (VCV000337266.17), dbSNP rs2592551, ClinGen allele CA1741889.
Genomic context (GRCh38, chr2:85,553,008, plus strand): 5'-AAGGTAGCCCAGTTCGCCAGTGCGGCCATCACGGTAGGTGATCTTCACGTGCTGGTGGGA[G>A]CGGGAGTGCACCATCATGTCCCAGGAATAGCCATACAGCCCATTTGTCCAGTTGTTATAG-3'
Protein context (NP_000812.2, residues 396-416): GYSWDMMVHS[Arg406=]SHQHVKITYR

ClinVar aggregate classification (germline): Benign. Review status: criteria provided, multiple submitters, no conflicts (2 of 4 stars). 5 submissions from 5 submitters: Benign (5). Last evaluated 2026-02-04.

Conditions:
Vitamin K-dependent clotting factors, combined deficiency of, type 1. Also called: FACTORS II, VII, IX, AND X, COMBINED DEFICIENCY OF; FAMILIAL MULTIPLE COAGULATION FACTOR DEFICIENCY III; FMFD III; GLUTAMIC ACID, DEFICIENT GAMMA-CARBOXYLATION OF; MULTIPLE COAGULATION FACTOR DEFICIENCY III; VITAMIN K-DEPENDENT COAGULATION DEFECT. Identifiers: Orphanet 98434, MedGen C1848534, MONDO:0010187, OMIM 277450.

Allele frequency attached by ClinVar (database versions not stated): gnomAD exomes 0.26161 and 0.27424; ExAC 0.26606; 1000 Genomes Project 0.28594; 1000 Genomes Project 30x 0.28607; TOPMed 0.29550; gnomAD 0.29597 and 0.30130; ESP Exome Variant Server 0.30255.
gnomAD v4.1: 445,725 of 1,613,452 alleles (28%); highest among the groups gnomAD compares: African/African-American, 36%; 62,960 homozygotes.

Submissions (5):

Labcorp Genetics (formerly Invitae), Labcorp
Classification: Benign. Last evaluated: 2026-02-04. Review status: criteria provided, single submitter. Criteria: Invitae Variant Classification Sherloc (09022015). Collection method: clinical testing. Allele origin: germline.

Mayo Clinic Laboratories, Mayo Clinic
Classification: Benign. Last evaluated: 2022-09-29. Review status: criteria provided, single submitter. Criteria: ACMG Guidelines, 2015. Collection method: clinical testing. Allele origin: germline. Observed: 55 variant alleles.

GeneDx
Classification: Benign. Last evaluated: 2018-07-05. Review status: criteria provided, single submitter. Criteria: GeneDx Variant Classification Process June 2021. Collection method: clinical testing. Allele origin: germline. Affected: yes.

Illumina Laboratory Services, Illumina
Classification: Benign for Vitamin K-dependent clotting factors, combined deficiency of, type 1. Last evaluated: 2018-01-13. Review status: criteria provided, single submitter. Criteria: ICSL Variant Classification Criteria 13 December 2019. Collection method: clinical testing. Allele origin: germline.
Comment: This variant was observed in the ICSL laboratory as part of a predisposition screen in an ostensibly healthy population. It had not been previously curated by ICSL or reported in the Human Gene Mutation Database (HGMD: prior to June 1st, 2018), and was therefore a candidate for classification through an automated scoring system. Utilizing variant allele frequency, disease prevalence and penetrance estimates, and inheritance mode, an automated score was calculated to assess if this variant is too frequent to cause the disease. Based on the score and internal cut-off values, a variant classified as benign is not then subjected to further curation. The score for this variant resulted in a classification of benign for this disease.

Breakthrough Genomics
Classification: Benign. Review status: criteria provided, single submitter. Criteria: ACMG Guidelines, 2015. Collection method: not provided. Allele origin: germline. Inheritance: Autosomal recessive inheritance. Affected: yes.